The following is an entry in ClinVar:

ClinVar aggregate classification (germline): Conflicting classifications of pathogenicity. Review status: criteria provided, conflicting classifications (1 of 4 stars). 3 submissions from 3 submitters: Uncertain significance (2); Likely benign (1). Last evaluated 2026-07-29.

Conditions:
Long chain 3-hydroxyacyl-CoA dehydrogenase deficiency. Also called: Deficiency of long-chain 3-hydroxyacyl-coenzyme A dehydrogenase; LCHAD Deficiency. Identifiers: Orphanet 5, MedGen C3711645, MONDO:0012173, OMIM 609016.
Mitochondrial trifunctional protein deficiency. Identifiers: Orphanet 746, MedGen C1969443, MONDO:0012172.
HADHA-related disorder. Also called: HADHA-related disorders; HADHA-related condition.

Allele frequency attached by ClinVar (database versions not stated): gnomAD exomes 0.00001 and 0.00003; ExAC 0.00003; gnomAD 0.00006; TOPMed 0.00009.
gnomAD v4.1: 18 of 1,530,872 alleles (0.0012%); highest among the groups gnomAD compares: African/African-American, 0.019%; no homozygotes.

Submissions (3):

PreventionGenetics, part of Exact Sciences
Classification: Likely benign for HADHA-related condition. Last evaluated: 2026-07-29. Review status: criteria provided, single submitter. Criteria: ACMG Guidelines, 2015. Collection method: clinical testing. Allele origin: germline.
Comment: This variant is classified as likely benign based on ACMG/AMP sequence variant interpretation guidelines (Richards et al. 2015 PMID: 25741868, with internal and published modifications).

Women's Health and Genetics/Laboratory Corporation of America, LabCorp
Classification: Uncertain significance. Last evaluated: 2026-03-23. Review status: criteria provided, single submitter. Criteria: LabCorp Variant Classification Summary - May 2015. Collection method: clinical testing. Allele origin: germline.

Labcorp Genetics (formerly Invitae), Labcorp
Classification: Uncertain significance for Mitochondrial trifunctional protein deficiency; Long chain 3-hydroxyacyl-CoA dehydrogenase deficiency. Last evaluated: 2021-08-27. Review status: criteria provided, single submitter. Criteria: Invitae Variant Classification Sherloc (09022015). Collection method: clinical testing. Allele origin: germline.
Comment: This sequence change falls in intron 10 of the HADHA gene. It does not directly change the encoded amino acid sequence of the HADHA protein. It affects a nucleotide within the consensus splice site of the intron. This variant is present in population databases (rs766717752, ExAC 0.03%). This variant has not been reported in the literature in individuals affected with HADHA-related conditions. Variants that disrupt the consensus splice site are a relatively common cause of aberrant splicing (PMID: 17576681, 9536098). Algorithms developed to predict the effect of sequence changes on RNA splicing suggest that this variant is not likely to affect RNA splicing. In summary, the available evidence is currently insufficient to determine the role of this variant in disease. Therefore, it has been classified as a Variant of Uncertain Significance.

Literature cited by the submitters: PubMed 17576681 (cited by Labcorp Genetics (formerly Invitae), Labcorp); PubMed 9536098 (cited by Labcorp Genetics (formerly Invitae), Labcorp).

NM_000182.5(HADHA):c.975+6C>T

Gene: HADHA (hydroxyacyl-CoA dehydrogenase trifunctional multienzyme complex subunit alpha; minus strand). Cytogenetic location: 2p23.3.
Variant type: single nucleotide variant.
Coding change: c.975+6C>T on transcript NM_000182.5 (MANE Select); 6 bases into the intron after coding-DNA position 975, C replaced by T.
Molecular consequence: intron variant.
Genome position (GRCh38, 1-based): chr2:26,212,564, G>A on the plus strand (C>T on the coding strand, the complement: HADHA is on the minus strand). VCF-style: chr2-26212564-G-A. GRCh37 (hg19) VCF-style: chr2-26435433-G-A.
Other names: c.975+6C>T (NM_000182.4).
Identifiers: ClinVar variation 1357029 (VCV001357029.7), dbSNP rs766717752, ClinGen allele CA1559728.
Genomic context (GRCh38, chr2:26,212,564, plus strand): 5'-TACAGAGGATTGGATCTTTAGTTTTCCTTTAACTGATAATAAAACATTGAAAGGAAATAA[G>A]TTTACCTGAGATTCACAGAGATAACCGGCATCACTCCCTTGCTCAATTCCAGTCTTTACC-3'